The following is an entry in ClinVar:

ClinVar aggregate classification (germline): Uncertain significance (1 of 4 stars; one submission).

Submission:

Labcorp Genetics (formerly Invitae), Labcorp
Classification: Uncertain significance. Last evaluated: 2025-08-20. Review status: criteria provided, single submitter. Criteria: Invitae Variant Classification Sherloc (09022015). Collection method: clinical testing. Allele origin: germline.
Comment: This sequence change falls in intron 5 of the KIF2A gene. It does not directly change the encoded amino acid sequence of the KIF2A protein. This variant is not present in population databases (gnomAD no frequency). This variant has not been reported in the literature in individuals affected with KIF2A-related conditions. Algorithms developed to predict the effect of sequence changes on RNA splicing suggest that this variant may create or strengthen a splice site. In summary, the available evidence is currently insufficient to determine the role of this variant in disease. Therefore, it has been classified as a Variant of Uncertain Significance.

NM_001098511.3(KIF2A):c.458-6T>C

Gene: KIF2A (kinesin family member 2A; plus strand). Cytogenetic location: 5q12.1.
Variant type: single nucleotide variant.
Coding change: c.458-6T>C on transcript NM_001098511.3 (MANE Select); 6 bases into the intron before coding-DNA position 458, T replaced by C.
Molecular consequence: intron variant.
Genome position (GRCh38, 1-based): chr5:62,353,269, T>C. VCF-style: chr5-62353269-T-C. GRCh37 (hg19) VCF-style: chr5-61649096-T-C.
Other names: c.377-6T>C (NM_001243952.2); c.458-6T>C (NM_004520.5); c.401-6T>C (NM_001243953.2).
Identifiers: ClinVar variation 4782112 (VCV004782112.1).